The following is an entry in ClinVar:

NM_001844.5(COL2A1):c.2941G>A (p.Gly981Ser)

Gene: COL2A1 (collagen type II alpha 1 chain; minus strand). Cytogenetic location: 12q13.11.
Variant type: single nucleotide variant.
Coding change: c.2941G>A on transcript NM_001844.5 (MANE Select); coding-DNA position 2941, G replaced by A.
Protein change: p.Gly981Ser; replaces glycine 981 with serine.
Molecular consequence: missense variant.
Genome position (GRCh38, 1-based): chr12:47,978,353, C>T on the plus strand (G>A on the coding strand, the complement: COL2A1 is on the minus strand). VCF-style: chr12-47978353-C-T. GRCh37 (hg19) VCF-style: chr12-48372136-C-T.
Other names: c.2734G>A, p.Gly912Ser (NM_033150.3); short protein forms G912S, G981S.
Identifiers: ClinVar variation 1699230 (VCV001699230.3), dbSNP rs2136526515, ClinGen allele CA384541366.

ClinVar aggregate classification (germline): Pathogenic (1 of 4 stars; one submission).

Conditions:
Achondrogenesis type II (ACG2). Also called: CHONDROGENESIS IMPERFECTA; ACHONDROGENESIS, LANGER-SALDINO TYPE. Identifiers: Orphanet 932, Orphanet 93296, MedGen C0220685, MONDO:0008702, OMIM 200610.

Allele frequency attached by ClinVar (database versions not stated): gnomAD exomes below 0.00001.
gnomAD v4.1: 1 of 1,614,104 alleles (0.000062%); highest among the groups gnomAD compares: Non-Finnish European, 0.000085%; no homozygotes.

Submission:

Victorian Clinical Genetics Services, Murdoch Childrens Research Institute
Classification: Pathogenic for Achondrogenesis type II. Last evaluated: 2022-06-24. Review status: criteria provided, single submitter. Criteria: ACMG Guidelines, 2015. Collection method: clinical testing. Allele origin: germline. Inheritance: Autosomal dominant inheritance. Affected: yes.
Comment: Based on the classification scheme VCGS_Germline_v1.3.4, this variant is classified as Pathogenic. Following criteria are met: 0103 - Both dominant negative and loss of function are known mechanisms of disease in this gene and are associated with skeletal dysplasia phenotypes. Missense variants affecting glycine residues exert a dominant negative effect (PMID: 15895462). (I) 0107 - This gene is associated with autosomal dominant disease. (I) 0115 - Variants in this gene are known to have variable expressivity (GeneReviews).(I) 0200 - Variant is predicted to result in a missense amino acid change from glycine to serine. (I) 0251 - This variant is heterozygous. (I) 0301 - Variant is absent from gnomAD (both v2 and v3). (SP) 0501 - Missense variant consistently predicted to be damaging by multiple in silico tools in a very highly conserved residue. (SP) 0601 - Variant is located in the Gly-X-Y collagen motif (Decipher). (SP) 0705 - No comparable missense variants at this position have previous evidence for pathogenicity however, missense variants affecting the Gly-X-Y motif in other codons have been reported as pathogenic. (I) 0803 - This variant has limited previous evidence of pathogenicity. (SP) 0905 - No published segregation evidence has been identified for this variant. (I) 1007 - No published functional evidence has been identified for this variant. (I) 1102 - Strong phenotype match for this individual. (SP) 1208 - Inheritance information for this variant is not currently available in this individual. (I) Legend: (SP) - Supporting pathogenic, (I) - Information, (SB) - Supporting benign

Literature cited by the submitters: PubMed 10797431; PubMed 15895462.